The following is an entry in ClinVar:

NM_033305.3(VPS13A):c.7645A>G (p.Ile2549Val)

Gene: VPS13A (vacuolar protein sorting 13 homolog A; plus strand). Cytogenetic location: 9q21.2.
Variant type: single nucleotide variant.
Coding change: c.7645A>G on transcript NM_033305.3 (MANE Select); coding-DNA position 7645, A replaced by G.
Protein change: p.Ile2549Val; replaces isoleucine 2549 with valine.
Molecular consequence: missense variant.
Genome position (GRCh38, 1-based): chr9:77,353,634, A>G. VCF-style: chr9-77353634-A-G. GRCh37 (hg19) VCF-style: chr9-79968550-A-G.
Other names: c.7528A>G, p.Ile2510Val (NM_001018037.2); c.7645A>G, p.Ile2549Val (NM_001018038.3, NM_015186.4); c.7645A>G (NM_033305.2); short protein forms I2549V, I2510V.
Identifiers: ClinVar variation 1437730 (VCV001437730.4), dbSNP rs966562429, ClinGen allele CA194393542.

ClinVar aggregate classification (germline): Uncertain significance. Review status: criteria provided, multiple submitters, no conflicts (2 of 4 stars). 2 submissions from 2 submitters: Uncertain significance (2). Last evaluated 2022-09-07.

Conditions:
Inborn genetic diseases. Identifiers: MedGen C0950123, MeSH D030342.

Allele frequency attached by ClinVar (database versions not stated): gnomAD 0.00002 and 0.00003; TOPMed 0.00003.
gnomAD v4.1: 29 of 1,612,738 alleles (0.0018%); highest among the groups gnomAD compares: Admixed American, 0.012%; no homozygotes.

Submissions (2):

Labcorp Genetics (formerly Invitae), Labcorp
Classification: Uncertain significance. Last evaluated: 2022-09-07. Review status: criteria provided, single submitter. Criteria: Invitae Variant Classification Sherloc (09022015). Collection method: clinical testing. Allele origin: germline.
Comment: This sequence change replaces isoleucine, which is neutral and non-polar, with valine, which is neutral and non-polar, at codon 2549 of the VPS13A protein (p.Ile2549Val). This variant is present in population databases (no rsID available, gnomAD 0.006%). This variant has not been reported in the literature in individuals affected with VPS13A-related conditions. ClinVar contains an entry for this variant (Variation ID: 1437730). Algorithms developed to predict the effect of missense changes on protein structure and function are either unavailable or do not agree on the potential impact of this missense change (SIFT: "Tolerated"; PolyPhen-2: "Probably Damaging"; Align-GVGD: "Class C0"). In summary, the available evidence is currently insufficient to determine the role of this variant in disease. Therefore, it has been classified as a Variant of Uncertain Significance.

Ambry Genetics
Classification: Uncertain significance for Inborn genetic diseases. Last evaluated: 2021-07-26. Review status: criteria provided, single submitter. Criteria: Ambry Variant Classification Scheme 2023. Collection method: clinical testing. Allele origin: germline.